The following is an entry in ClinVar:

NM_015450.3(POT1):c.1164-5T>A

Gene: POT1 (protection of telomeres 1; minus strand). Cytogenetic location: 7q31.33.
Variant type: single nucleotide variant.
Coding change: c.1164-5T>A on transcript NM_015450.3 (MANE Select); 5 bases into the intron before coding-DNA position 1164, T replaced by A.
Molecular consequence: intron variant.
Genome position (GRCh38, 1-based): chr7:124,841,183, A>T on the plus strand (T>A on the coding strand, the complement: POT1 is on the minus strand). VCF-style: chr7-124841183-A-T. GRCh37 (hg19) VCF-style: chr7-124481237-A-T.
Other names: c.771-5T>A (NM_001042594.2).
Identifiers: ClinVar variation 3642786 (VCV003642786.2).

ClinVar aggregate classification (germline): Uncertain significance (1 of 4 stars; one submission).

Conditions:
Tumor predisposition syndrome 3 (TPDS3). Also called: Melanoma, cutaneous malignant, susceptibility to, 10; Glioma susceptibility 9; LONG TELOMERE SYNDROME, POT1-RELATED; POT1 Tumor Predisposition. Identifiers: Orphanet 618, MedGen C4014476, MONDO:0014368, OMIM 615848.

Submission:

Labcorp Genetics (formerly Invitae), Labcorp
Classification: Uncertain significance for Tumor predisposition syndrome 3. Last evaluated: 2024-03-13. Review status: criteria provided, single submitter. Criteria: Invitae Variant Classification Sherloc (09022015). Collection method: clinical testing. Allele origin: germline.
Comment: This sequence change falls in intron 13 of the POT1 gene. It does not directly change the encoded amino acid sequence of the POT1 protein. This variant is not present in population databases (gnomAD no frequency). This variant has not been reported in the literature in individuals affected with POT1-related conditions. Algorithms developed to predict the effect of sequence changes on RNA splicing suggest that this variant may disrupt the consensus splice site. In summary, the available evidence is currently insufficient to determine the role of this variant in disease. Therefore, it has been classified as a Variant of Uncertain Significance.